The following is an entry in ClinVar:

ClinVar aggregate classification (germline): Uncertain significance. Review status: criteria provided, multiple submitters, no conflicts (2 of 4 stars). 2 submissions from 2 submitters: Uncertain significance (2). Last evaluated 2025-06-25.

Conditions:
Hereditary cancer-predisposing syndrome. Also called: Neoplastic Syndromes, Hereditary; Tumor predisposition; Hereditary Cancer Syndrome; Hereditary neoplastic syndrome. Identifiers: Orphanet 140162, MedGen C0027672, MeSH D009386, MONDO:0015356.
Hereditary pheochromocytoma and paraganglioma. Also called: Hereditary pheochromocytoma-paraganglioma; Hereditary paragangliomas and pheochromocytomas; Hereditary Paraganglioma-Pheochromocytoma Syndromes. Identifiers: Orphanet 29072, MedGen C4274332, MONDO:0017366.

Allele frequency attached by ClinVar (database versions not stated): gnomAD exomes below 0.00001; TOPMed below 0.00001.

Submissions (2):

Ambry Genetics
Classification: Uncertain significance for Hereditary cancer-predisposing syndrome. Last evaluated: 2025-06-25. Review status: criteria provided, single submitter. Criteria: Ambry Variant Classification Scheme 2023. Collection method: clinical testing. Allele origin: germline.
Comment: The p.E205K variant (also known as c.613G>A), located in coding exon 3 of the TMEM127 gene, results from a G to A substitution at nucleotide position 613. The glutamic acid at codon 205 is replaced by lysine, an amino acid with similar properties. This amino acid position is conserved. In addition, the in silico prediction for this alteration is inconclusive. Since supporting evidence is limited at this time, the clinical significance of this alteration remains unclear.

Labcorp Genetics (formerly Invitae), Labcorp
Classification: Uncertain significance for Hereditary pheochromocytoma and paraganglioma. Last evaluated: 2024-06-05. Review status: criteria provided, single submitter. Criteria: Invitae Variant Classification Sherloc (09022015). Collection method: clinical testing. Allele origin: germline.
Comment: This sequence change replaces glutamic acid, which is acidic and polar, with lysine, which is basic and polar, at codon 205 of the TMEM127 protein (p.Glu205Lys). This variant is not present in population databases (gnomAD no frequency). This variant has not been reported in the literature in individuals affected with TMEM127-related conditions. ClinVar contains an entry for this variant (Variation ID: 1751828). An algorithm developed to predict the effect of missense changes on protein structure and function (PolyPhen-2) suggests that this variant is likely to be tolerated. In summary, the available evidence is currently insufficient to determine the role of this variant in disease. Therefore, it has been classified as a Variant of Uncertain Significance.

NM_017849.4(TMEM127):c.613G>A (p.Glu205Lys)

Gene: TMEM127 (transmembrane protein 127; minus strand). Cytogenetic location: 2q11.2.
Variant type: single nucleotide variant.
Coding change: c.613G>A on transcript NM_017849.4 (MANE Select); coding-DNA position 613, G replaced by A.
Protein change: p.Glu205Lys; replaces glutamic acid 205 with lysine.
Molecular consequence: missense variant.
Genome position (GRCh38, 1-based): chr2:96,253,912, C>T on the plus strand (G>A on the coding strand, the complement: TMEM127 is on the minus strand). VCF-style: chr2-96253912-C-T. GRCh37 (hg19) VCF-style: chr2-96919650-C-T.
Other names: c.613G>A, p.Glu205Lys (NM_001193304.3); c.361G>A, p.Glu121Lys (NM_001407282.1, NM_001407283.1); short protein forms E205K, E121K.
Identifiers: ClinVar variation 1751828 (VCV001751828.5), dbSNP rs1684144025, ClinGen allele CA347651936.
Genomic context (GRCh38, chr2:96,253,912, plus strand): 5'-CATATTCCGCCGGGTAGGGCTCGTTCTCTTCCATCTCTGAGAGCAGCTCCAGCGCCTGCT[C>T]CTCTTCCTCTGTGGGGTAGTGGCGCAGGAGGTTGGCTGCCGTGGCCAGGATTGAGGCTCC-3'
Protein context (NP_060319.1, residues 195-215): LLRHYPTEEE[Glu205Lys]QALELLSEME